The following is an entry in ClinVar:

NM_001378615.1(CC2D2A):c.3774dup (p.Glu1259Ter)

Genes: CC2D2A (coiled-coil and C2 domain containing 2A; plus strand), FBXL5 (F-box and leucine rich repeat protein 5; minus strand). Cytogenetic location: 4p15.32.
Variant type: Duplication.
Coding change: c.3774dup on transcript NM_001378615.1 (MANE Select); coding-DNA position 3774, one base duplicated (T; older notation c.3774dupT).
Protein change: p.Glu1259Ter; replaces glutamic acid 1259 with a stop codon.
Molecular consequence: nonsense.
Genome position (GRCh38, 1-based): chr4:15,579,970, T duplicated; the last of 3 consecutive T bases (chr4:15,579,968-15,579,970); duplicating any one gives the same sequence. VCF-style (leftmost placement, unchanged base first): chr4-15579967-G-GT. GRCh37 (hg19) VCF-style: chr4-15581590-G-GT.
Other names: c.3774dupT (NM_001378615.1, NM_001080522.2); c.3774dup, p.Glu1259Ter (NM_001080522.2); c.3627dup, p.Glu1210Ter (NM_001378617.1); short protein forms E1259*, E1210*.
Identifiers: ClinVar variation 56309 (VCV000056309.29), dbSNP rs386833757, ClinGen allele CA144233.
Genomic context (GRCh38, chr4:15,579,967, plus strand): 5'-TGAACACGTACTTTCTCTCTTGTAATCATACATAAACTCCATGAAGTCTTTCTTTTTGAA[G>GT]TTTGAGTCTCAGGAAGATGAGAAATTACTTCAAGCAACTGAGAAGTTTCAAGCTGAATGT-3'

ClinVar aggregate classification (germline): Pathogenic. Review status: criteria provided, multiple submitters, no conflicts (2 of 4 stars). 12 submissions from 12 submitters: Pathogenic (11). 1 of the submissions does not count toward it. Last evaluated 2025-11-25.

Conditions:
COACH syndrome 2. Identifiers: MedGen C5436837, MONDO:0030859, OMIM 619111.
Retinitis pigmentosa 93. Identifiers: MedGen C5676970, MONDO:0030797, OMIM 619845.
Meckel syndrome, type 6. Identifiers: Orphanet 564, MedGen C2676790, MONDO:0012848, OMIM 612284.
Joubert syndrome 9 (JBTS9). Identifiers: Orphanet 2318, MedGen C2676788, MONDO:0012849, OMIM 612285.
Autosomal recessive CC2D2A-related disorders.
CC2D2A-related disorder. Also called: CC2D2A-related disorders; CC2D2A-related condition. Identifiers: MedGen CN239313.
Meckel-Gruber syndrome. Also called: Dysencephalia splachnocystica; DYSENCEPHALIA SPLANCHNOCYSTICA; GRUBER SYNDROME. Identifiers: Orphanet 564, MedGen C0265215, MONDO:0018921.
Joubert syndrome. Also called: Familial aplasia of the vermis; JOUBERT-BOLTSHAUSER SYNDROME. Identifiers: Orphanet 475, MedGen C5979921, MONDO:0018772.
Ciliopathy. Also called: Ciliopathies. Identifiers: Orphanet 363250, MedGen C4277690, MONDO:0005308, MeSH D000072661.
COACH syndrome 1. Identifiers: Orphanet 1454, MedGen C5435651, MONDO:0800103, OMIM 216360, MONDO:0008996.

Submissions (12):

Labcorp Genetics (formerly Invitae), Labcorp
Classification: Pathogenic for Joubert syndrome; Meckel-Gruber syndrome. Last evaluated: 2025-11-25. Review status: criteria provided, single submitter. Criteria: Invitae Variant Classification Sherloc (09022015). Collection method: clinical testing. Allele origin: germline.
Comment: This sequence change creates a premature translational stop signal (p.Glu1259*) in the CC2D2A gene. It is expected to result in an absent or disrupted protein product. Loss-of-function variants in CC2D2A are known to be pathogenic (PMID: 19777577). This variant is present in population databases (rs757195653, gnomAD 0.01%). This premature translational stop signal has been observed in individual(s) with CC2D2A-related conditions (PMID: 21068128, 26092869). ClinVar contains an entry for this variant (Variation ID: 56309). Algorithms developed to predict the effect of sequence changes on RNA splicing suggest that this variant may disrupt the consensus splice site. For these reasons, this variant has been classified as Pathogenic.

Variantyx, Inc.
Classification: Pathogenic for Autosomal recessive CC2D2A-related disorders. Last evaluated: 2025-10-28. Review status: criteria provided, single submitter. Criteria: Variantyx Assertion Criteria 2022. Collection method: clinical testing. Allele origin: germline. Inheritance: Autosomal recessive inheritance.
Comment: This is a nonsense variant in the CC2D2A gene (OMIM: 612013). Pathogenic variants in this gene have been associated with autosomal recessive CC2D2A-related disorders. This variant introduces a premature termination codon in exon 30 out of 37 and is expected to result in loss of function, which is a known disease mechanism for CC2D2A in this disorder (PMID: 19777577) (PVS1). This variant has been identified in the homozygous or compound heterozygous state in at least 2 individuals reported in the published literature (PMID: 21068128, 34758253) (PM3). It has a 0.0266% maximum allele frequency in non-founder control populations (PM2). Based on the current evidence, this variant is classified as pathogenic for autosomal recessive CC2D2A-related disorders.

PreventionGenetics, part of Exact Sciences
Classification: Pathogenic for CC2D2A-related condition. Last evaluated: 2025-03-05. Review status: criteria provided, single submitter. Criteria: ACMG Guidelines, 2015. Collection method: clinical testing. Allele origin: germline.
Comment: The CC2D2A c.3774dupT variant is predicted to result in premature protein termination (p.Glu1259*). This variant has been reported in individuals with Meckel-Gruber syndrome (Otto et al. 2011. PubMed ID: 21068128; Jones et al. 2014. PubMed ID: 24706459). This variant is reported in 0.012% of alleles in individuals of European (non-Finnish) descent in gnomAD. Truncating variants in CC2D2A are expected to be pathogenic. This variant is interpreted as pathogenic.

Blueprint Genetics
Classification: Pathogenic for CC2D2A-related disorders. Last evaluated: 2024-07-24. Review status: criteria provided, single submitter. Criteria: ACMG Guidelines, 2015. Collection method: clinical testing. Allele origin: germline. Affected: yes. Observed: 5 variant alleles.

Fulgent Genetics
Classification: Pathogenic for Meckel syndrome, type 6; Joubert syndrome 9; COACH syndrome 2; Retinitis pigmentosa 93. Last evaluated: 2024-03-21. Review status: criteria provided, single submitter. Criteria: ACMG Guidelines, 2015. Collection method: clinical testing. Allele origin: germline.

Molecular Genetics, Royal Melbourne Hospital
Classification: Pathogenic for Ciliopathy. Last evaluated: 2024-03-01. Review status: criteria provided, single submitter. Criteria: ACMG Guidelines, 2015. Collection method: clinical testing. Allele origin: germline. Inheritance: Autosomal recessive inheritance. Affected: yes.
Comment: This sequence change in CC2D2A is a frameshift variant predicted to cause a premature stop codon, p.(Glu1259*), in biologically relevant exon 30/37 leading to nonsense-mediated decay in a gene in which loss-of-function is an established disease mechanism. The highest population minor allele frequency in the population database gnomAD v4.0 is 0.03% (314/1,178,816 alleles) in the European (non-Finnish) population, consistent with a recessive disease. This variant has been detected in at least five individuals with a phenotype consistent with a ciliopathy (Meckel syndrome and Joubert syndrome) in the compound heterozygous state (with at least one individual with a pathogenic variant on the other allele; PMID: 21068128, 24706459, 26092869, 26729329). Based on the classification scheme RMH Modified ACMG Guidelines v1.6.1, this variant is classified as PATHOGENIC. Following criteria are met: PVS1, PM3_Strong, PM2_Supporting.

Revvity Omics, Revvity
Classification: Pathogenic. Last evaluated: 2022-12-21. Review status: criteria provided, single submitter. Criteria: ACMG Guidelines, 2015. Collection method: clinical testing. Allele origin: germline.

GeneDx
Classification: Pathogenic. Last evaluated: 2022-01-12. Review status: criteria provided, single submitter. Criteria: GeneDx Variant Classification Process June 2021. Collection method: clinical testing. Allele origin: germline. Affected: yes.
Comment: Nonsense variant predicted to result in protein truncation or nonsense mediated decay in a gene for which loss-of-function is a known mechanism of disease; Not observed at a significant frequency in large population cohorts (gnomAD); This variant is associated with the following publications: (PMID: 24706459, 26729329, 21866095, 26092869, 21068128, 33486889)

Eurofins Ntd Llc (ga)
Classification: Pathogenic. Last evaluated: 2016-10-26. Review status: criteria provided, single submitter. Criteria: EGL Classification Definitions 2015. Collection method: clinical testing. Allele origin: germline. Observed: 2 variant alleles, 2 heterozygotes.

UW Hindbrain Malformation Research Program, University of Washington
Classification: Pathogenic for Joubert syndrome 9. Last evaluated: 2015-02-23. Review status: criteria provided, single submitter. Criteria: Bachmann-Gagescu et al. (J Med Genet. 2015). Collection method: research. Allele origin: unknown. Affected: yes.

Genomics England Pilot Project, Genomics England
Classification: Pathogenic for COACH syndrome 1. Review status: criteria provided, single submitter. Criteria: ACGS Guidelines, 2016. Collection method: clinical testing. Allele origin: germline. Affected: yes.

Juha Muilu Group; Institute for Molecular Medicine Finland (FIMM)
Classification: Likely pathogenic for Meckel syndrome, type 6. Review status: no assertion criteria provided. Collection method: not provided. Allele origin: unknown. Not counted in ClinVar's aggregate classification.
Comment: FinDis database variant: This variant was not found or characterized by our laboratory, data were collected from public sources: see reference
ClinVar note: Converted during submission from probable-pathogenic to Likely pathogenic.

Literature cited by the submitters: PubMed 19777577 (cited by Labcorp Genetics (formerly Invitae), Labcorp and Variantyx, Inc.); PubMed 21068128 (cited by 4 submitters); PubMed 26092869 (cited by Labcorp Genetics (formerly Invitae), Labcorp and Molecular Genetics, Royal Melbourne Hospital); PubMed 34758253 (cited by Variantyx, Inc.); PubMed 24706459 (cited by Molecular Genetics, Royal Melbourne Hospital and Eurofins Ntd Llc (ga)); PubMed 26729329 (cited by Molecular Genetics, Royal Melbourne Hospital and Eurofins Ntd Llc (ga)).